The following is an entry in ClinVar:

NM_002472.3(MYH8):c.4808C>T (p.Thr1603Met)

Genes: MYH8 (myosin heavy chain 8; minus strand), MYHAS (myosin heavy chain gene cluster antisense RNA; plus strand). Cytogenetic location: 17p13.1.
Variant type: single nucleotide variant.
Coding change: c.4808C>T on transcript NM_002472.3 (MANE Select); coding-DNA position 4808, C replaced by T.
Protein change: p.Thr1603Met; replaces threonine 1603 with methionine.
Molecular consequence: missense variant.
Genome position (GRCh38, 1-based): chr17:10,395,287, G>A on the plus strand (C>T on the coding strand, the complement: MYH8 is on the minus strand). VCF-style: chr17-10395287-G-A. GRCh37 (hg19) VCF-style: chr17-10298604-G-A.
Other names: short protein forms T1603M.
Identifiers: ClinVar variation 2357057 (VCV002357057.5), dbSNP rs775820322, ClinGen allele CA8387199.

ClinVar aggregate classification (germline): Conflicting classifications of pathogenicity. Review status: criteria provided, conflicting classifications (1 of 4 stars). 2 submissions from 2 submitters: Uncertain significance (1); Likely benign (1). Last evaluated 2026-07-01.

Allele frequency attached by ClinVar (database versions not stated): gnomAD 0.00001; gnomAD exomes 0.00002; TOPMed 0.00003; ExAC 0.00007.
gnomAD v4.1: 28 of 1,613,956 alleles (0.0017%); highest among the groups gnomAD compares: Admixed American, 0.027%; no homozygotes.

Submissions (2):

CeGaT Center for Human Genetics Tuebingen
Classification: Likely benign. Last evaluated: 2026-07-01. Review status: criteria provided, single submitter. Criteria: CeGaT Center For Human Genetics Tuebingen Variant Classification Criteria Version 2. Collection method: clinical testing. Allele origin: germline. Affected: yes. Observed: 1 variant allele.
Comment: MYH8: BP4

Ambry Genetics
Classification: Uncertain significance. Last evaluated: 2025-08-13. Review status: criteria provided, single submitter. Criteria: Ambry Variant Classification Scheme 2023. Collection method: clinical testing. Allele origin: germline.